The following is an entry in ClinVar:

ClinVar aggregate classification (germline): Conflicting classifications of pathogenicity. Review status: criteria provided, conflicting classifications (1 of 4 stars). 2 submissions from 2 submitters: Uncertain significance (1); Likely benign (1). Last evaluated 2026-01-23.

Conditions:
Autosomal recessive severe congenital neutropenia due to G6PC3 deficiency. Also called: NEUTROPENIA, SEVERE CONGENITAL, 4, AUTOSOMAL RECESSIVE; G6PC3 Deficiency. Identifiers: Orphanet 331176, MedGen C2751630, MONDO:0012930, OMIM 612541.
Inborn genetic diseases. Identifiers: MedGen C0950123, MeSH D030342.

Allele frequency attached by ClinVar (database versions not stated): gnomAD exomes 0.00001 and 0.00002; TOPMed 0.00002; gnomAD 0.00003; ExAC 0.00002.

Submissions (2):

Labcorp Genetics (formerly Invitae), Labcorp
Classification: Uncertain significance for Autosomal recessive severe congenital neutropenia due to G6PC3 deficiency. Last evaluated: 2026-01-23. Review status: criteria provided, single submitter. Criteria: Invitae Variant Classification Sherloc (09022015). Collection method: clinical testing. Allele origin: germline.
Comment: This sequence change replaces methionine, which is neutral and non-polar, with valine, which is neutral and non-polar, at codon 192 of the G6PC3 protein (p.Met192Val). This variant is present in population databases (rs774843962, gnomAD 0.007%). This variant has not been reported in the literature in individuals affected with G6PC3-related conditions. ClinVar contains an entry for this variant (Variation ID: 647728). Invitae Evidence Modeling of protein sequence and biophysical properties (such as structural, functional, and spatial information, amino acid conservation, physicochemical variation, residue mobility, and thermodynamic stability) indicates that this missense variant is not expected to disrupt G6PC3 protein function with a negative predictive value of 95%. In summary, the available evidence is currently insufficient to determine the role of this variant in disease. Therefore, it has been classified as a Variant of Uncertain Significance.

Ambry Genetics
Classification: Likely benign for Inborn genetic diseases. Last evaluated: 2024-11-18. Review status: criteria provided, single submitter. Criteria: Ambry Variant Classification Scheme 2023. Collection method: clinical testing. Allele origin: germline.

NM_138387.4(G6PC3):c.574A>G (p.Met192Val)

Gene: G6PC3 (glucose-6-phosphatase catalytic subunit 3; plus strand). Cytogenetic location: 17q21.31.
Variant type: single nucleotide variant.
Coding change: c.574A>G on transcript NM_138387.4 (MANE Select); coding-DNA position 574, A replaced by G.
Protein change: p.Met192Val; replaces methionine 192 with valine.
Molecular consequence: missense variant.
Genome position (GRCh38, 1-based): chr17:44,075,348, A>G. VCF-style: chr17-44075348-A-G. GRCh37 (hg19) VCF-style: chr17-42152716-A-G.
Other names: c.455A>G, p.Tyr152Cys (NM_001319945.2); c.229A>G, p.Met77Val (NM_001384165.1, NM_001384166.1, NM_001384167.1 and 1 more transcripts); short protein forms Y152C, M192V, M77V.
Identifiers: ClinVar variation 647728 (VCV000647728.9), dbSNP rs774843962, ClinGen allele CA8596089.